The following is an entry in ClinVar:

ClinVar aggregate classification (germline): Uncertain significance (1 of 4 stars; one submission).

Conditions:
Cardiovascular phenotype. Identifiers: MedGen CN230736.

Submission:

Ambry Genetics
Classification: Uncertain significance for Cardiovascular phenotype. Last evaluated: 2026-07-09. Review status: criteria provided, single submitter. Criteria: Ambry Variant Classification Scheme 2023. Collection method: clinical testing. Allele origin: germline.
Comment: The p.V628D variant (also known as c.1883T>A), located in coding exon 5 of the ALPK3 gene, results from a T to A substitution at nucleotide position 1883. The valine at codon 628 is replaced by aspartic acid, an amino acid with highly dissimilar properties. This amino acid position is conserved. In addition, this alteration is predicted to be tolerated by in silico analysis. Based on the available evidence, the clinical significance of this variant remains unclear.

NM_020778.5(ALPK3):c.1277T>A (p.Val426Asp)

Gene: ALPK3 (alpha kinase 3; plus strand). Cytogenetic location: 15q25.3.
Variant type: single nucleotide variant.
Coding change: c.1277T>A on transcript NM_020778.5 (MANE Select); coding-DNA position 1277, T replaced by A.
Protein change: p.Val426Asp; replaces valine 426 with aspartic acid.
Molecular consequence: missense variant.
Genome position (GRCh38, 1-based): chr15:84,840,556, T>A. VCF-style: chr15-84840556-T-A. GRCh37 (hg19) VCF-style: chr15-85383787-T-A.
Other names: short protein forms V426D.
Identifiers: ClinVar variation 5036447 (VCV005036447.1).